The following is an entry in ClinVar:

NM_005236.3(ERCC4):c.*1880C>T

Gene: ERCC4 (ERCC excision repair 4, endonuclease catalytic subunit; plus strand). Cytogenetic location: 16p13.12.
Variant type: single nucleotide variant.
Coding change: c.*1880C>T on transcript NM_005236.3 (MANE Select); 1880 bases downstream of the stop codon, C replaced by T.
Molecular consequence: 3 prime UTR variant.
Genome position (GRCh38, 1-based): chr16:13,950,227, C>T. VCF-style: chr16-13950227-C-T. GRCh37 (hg19) VCF-style: chr16-14044084-C-T.
Identifiers: ClinVar variation 317849 (VCV000317849.5), dbSNP rs112776898, ClinGen allele CA10647771.

ClinVar aggregate classification (germline): Benign (1 of 4 stars; one submission).

Conditions:
Xeroderma pigmentosum, group F (XPF). Also called: XERODERMA PIGMENTOSUM, COMPLEMENTATION GROUP F; XERODERMA PIGMENTOSUM VI; XP, GROUP F; ERCC4-Related Xeroderma Pigmentosum; XERODERMA PIGMENTOSUM, TYPE F; Xeroderma pigmentosum, type 6. Identifiers: MedGen C0268140, MONDO:0010215, OMIM 278760.

Allele frequency attached by ClinVar (database versions not stated): gnomAD exomes 0.00171; gnomAD 0.01255 and 0.01335; 1000 Genomes Project 0.01318; 1000 Genomes Project 30x 0.01343; TOPMed 0.01459.
gnomAD v4.1: 1,974 of 189,232 alleles (1%); highest among the groups gnomAD compares: African/African-American, 4.2%; 46 homozygotes.

Submission:

Illumina Laboratory Services, Illumina
Classification: Benign for Xeroderma pigmentosum, group F. Last evaluated: 2018-01-12. Review status: criteria provided, single submitter. Criteria: ICSL Variant Classification Criteria 13 December 2019. Collection method: clinical testing. Allele origin: germline.
Comment: This variant was observed in the ICSL laboratory as part of a predisposition screen in an ostensibly healthy population. It had not been previously curated by ICSL or reported in the Human Gene Mutation Database (HGMD: prior to June 1st, 2018), and was therefore a candidate for classification through an automated scoring system. Utilizing variant allele frequency, disease prevalence and penetrance estimates, and inheritance mode, an automated score was calculated to assess if this variant is too frequent to cause the disease. Based on the score and internal cut-off values, a variant classified as benign is not then subjected to further curation. The score for this variant resulted in a classification of benign for this disease.